The following is an entry in ClinVar:

NM_000465.4(BARD1):c.898C>G (p.Pro300Ala)

Gene: BARD1 (BRCA1 associated RING domain 1; minus strand). Cytogenetic location: 2q35.
Variant type: single nucleotide variant.
Coding change: c.898C>G on transcript NM_000465.4 (MANE Select); coding-DNA position 898, C replaced by G.
Protein change: p.Pro300Ala; replaces proline 300 with alanine.
Molecular consequence: missense variant. On other transcripts: non-coding transcript variant (2), intron variant (3).
Genome position (GRCh38, 1-based): chr2:214,780,976, G>C on the plus strand (C>G on the coding strand, the complement: BARD1 is on the minus strand). VCF-style: chr2-214780976-G-C. GRCh37 (hg19) VCF-style: chr2-215645700-G-C.
Other names: c.841C>G, p.Pro281Ala (NM_001282543.2); c.159-28421C>G (NM_001282548.2); c.215+16085C>G (NM_001282545.2); c.364+11321C>G (NM_001282549.2); short protein forms P300A, P281A.
Identifiers: ClinVar variation 479189 (VCV000479189.7), dbSNP rs1064793050, ClinGen allele CA350455124.

ClinVar aggregate classification (germline): Uncertain significance. Review status: criteria provided, multiple submitters, no conflicts (2 of 4 stars). 2 submissions from 2 submitters: Uncertain significance (2). Last evaluated 2023-09-27.

Conditions:
Hereditary cancer-predisposing syndrome. Also called: Neoplastic Syndromes, Hereditary; Hereditary Cancer Syndrome; Hereditary neoplastic syndrome; Tumor predisposition. Identifiers: Orphanet 140162, MedGen C0027672, MeSH D009386, MONDO:0015356.
Familial cancer of breast. Also called: BREAST CANCER, FAMILIAL; hereditary breast carcinoma; Hereditary breast cancer. Identifiers: Orphanet 227535, MedGen C0346153, MONDO:0016419, OMIM 114480. Disease mechanism: loss of function.

gnomAD v4.1: 1 of 1,613,534 alleles (0.000062%); highest among the groups gnomAD compares: African/African-American, 0.0013%; no homozygotes.

Submissions (2):

Ambry Genetics
Classification: Uncertain significance for Hereditary cancer-predisposing syndrome. Last evaluated: 2023-09-27. Review status: criteria provided, single submitter. Criteria: Ambry Variant Classification Scheme 2023. Collection method: clinical testing. Allele origin: germline.
Comment: The p.P300A variant (also known as c.898C>G), located in coding exon 4 of the BARD1 gene, results from a C to G substitution at nucleotide position 898. The proline at codon 300 is replaced by alanine, an amino acid with highly similar properties. This amino acid position is not well conserved in available vertebrate species. In addition, this alteration is predicted to be tolerated by in silico analysis. Since supporting evidence is limited at this time, the clinical significance of this alteration remains unclear.

Labcorp Genetics (formerly Invitae), Labcorp
Classification: Uncertain significance for Familial cancer of breast. Last evaluated: 2023-05-15. Review status: criteria provided, single submitter. Criteria: Invitae Variant Classification Sherloc (09022015). Collection method: clinical testing. Allele origin: germline.
Comment: An algorithm developed to predict the effect of missense changes on protein structure and function (PolyPhen-2) suggests that this variant¬¨‚Ä† is likely to be tolerated. ClinVar contains an entry for this variant (Variation ID: 479189). This variant has not been reported in the literature in individuals affected with BARD1-related conditions. This variant is not present in population databases (gnomAD no frequency). This sequence change replaces proline, which is neutral and non-polar, with alanine, which is neutral and non-polar, at codon 300 of the BARD1 protein (p.Pro300Ala). In summary, the available evidence is currently insufficient to determine the role of this variant in disease. Therefore, it has been classified as a Variant of Uncertain Significance.